The following is an entry in ClinVar:

NM_206965.2(FTCD):c.1078G>A (p.Ala360Thr)

Gene: FTCD (formimidoyltransferase cyclodeaminase; minus strand). Cytogenetic location: 21q22.3.
Variant type: single nucleotide variant.
Coding change: c.1078G>A on transcript NM_206965.2 (MANE Select); coding-DNA position 1078, G replaced by A.
Protein change: p.Ala360Thr; replaces alanine 360 with threonine.
Molecular consequence: missense variant.
Genome position (GRCh38, 1-based): chr21:46,145,838, C>T on the plus strand (G>A on the coding strand, the complement: FTCD is on the minus strand). VCF-style: chr21-46145838-C-T. GRCh37 (hg19) VCF-style: chr21-47565752-C-T.
Other names: c.1078G>A, p.Ala360Thr (NM_001320412.2, NM_006657.3); short protein forms A360T.
Identifiers: ClinVar variation 2142288 (VCV002142288.2), dbSNP rs1485316578, ClinGen allele CA410513261.

ClinVar aggregate classification (germline): Uncertain significance (1 of 4 stars; one submission).

Conditions:
Glutamate formiminotransferase deficiency. Also called: Formiminoglutamic aciduria; Arakawa syndrome 1. Identifiers: Orphanet 51208, MedGen C0268609, MONDO:0009240, OMIM 229100.

Allele frequency attached by ClinVar (database versions not stated): TOPMed below 0.00001; gnomAD exomes 0.00001.

Submission:

Labcorp Genetics (formerly Invitae), Labcorp
Classification: Uncertain significance for Glutamate formiminotransferase deficiency. Last evaluated: 2022-06-22. Review status: criteria provided, single submitter. Criteria: Invitae Variant Classification Sherloc (09022015). Collection method: clinical testing. Allele origin: germline.
Comment: In summary, the available evidence is currently insufficient to determine the role of this variant in disease. Therefore, it has been classified as a Variant of Uncertain Significance. Algorithms developed to predict the effect of missense changes on protein structure and function are either unavailable or do not agree on the potential impact of this missense change (SIFT: "Deleterious"; PolyPhen-2: "Possibly Damaging"; Align-GVGD: "Class C0"). This variant has not been reported in the literature in individuals affected with FTCD-related conditions. The frequency data for this variant in the population databases is considered unreliable, as metrics indicate poor data quality at this position in the gnomAD database. This sequence change replaces alanine, which is neutral and non-polar, with threonine, which is neutral and polar, at codon 360 of the FTCD protein (p.Ala360Thr).